The following is an entry in ClinVar:

ClinVar aggregate classification (germline): Likely benign (0 of 4 stars; one submission).

Conditions:
SEMA3A-related disorder. Also called: SEMA3A-related condition.

Submission:

PreventionGenetics, part of Exact Sciences
Classification: Likely benign for SEMA3A-related condition. Last evaluated: 2022-10-31. Review status: no assertion criteria provided. Collection method: clinical testing. Allele origin: germline.
Comment: This variant is classified as likely benign based on ACMG/AMP sequence variant interpretation guidelines (Richards et al. 2015 PMID: 25741868, with internal and published modifications).

NM_006080.3(SEMA3A):c.1779A>G (p.Thr593=)

Gene: SEMA3A (semaphorin 3A; minus strand). Cytogenetic location: 7q21.11.
Variant type: single nucleotide variant.
Coding change: c.1779A>G on transcript NM_006080.3 (MANE Select); coding-DNA position 1779, A replaced by G.
Protein change: p.Thr593=; no amino-acid change (threonine 593 retained).
Molecular consequence: synonymous variant.
Genome position (GRCh38, 1-based): chr7:83,963,286, T>C on the plus strand (A>G on the coding strand, the complement: SEMA3A is on the minus strand). VCF-style: chr7-83963286-T-C. GRCh37 (hg19) VCF-style: chr7-83592602-T-C.
Identifiers: ClinVar variation 3354061 (VCV003354061.1).